The following is an entry in ClinVar:

NM_182556.4(SLC25A45):c.786C>A (p.Val262=)

Genes: FRMD8 (FERM domain containing 8; plus strand), SLC25A45 (solute carrier family 25 member 45; minus strand). Cytogenetic location: 11q13.1.
Variant type: single nucleotide variant.
Coding change: c.786C>A on transcript NM_182556.4 (MANE Select); coding-DNA position 786, C replaced by A.
Protein change: p.Val262=; no amino-acid change (valine 262 retained).
Molecular consequence: synonymous variant. On other transcripts: non-coding transcript variant (2).
Genome position (GRCh38, 1-based): chr11:65,376,488, G>T on the plus strand (C>A on the coding strand, the complement: SLC25A45 is on the minus strand). VCF-style: chr11-65376488-G-T. GRCh37 (hg19) VCF-style: chr11-65143959-G-T.
Other names: c.660C>A, p.Val220= (NM_001077241.3, NM_001278251.3, NM_001352382.2); c.714C>A, p.Val238= (NM_001278250.3); c.600C>A, p.Val200= (NM_001300820.2); c.786C>A, p.Val262= (NM_001352381.2); c.474C>A, p.Val158= (NM_001352383.2, NM_001352384.2).
Identifiers: ClinVar variation 2641953 (VCV002641953.24), dbSNP rs1368985370, ClinGen allele CA475014296.

ClinVar aggregate classification (germline): Likely benign (1 of 4 stars; one submission).

Submission:

CeGaT Center for Human Genetics Tuebingen
Classification: Likely benign. Last evaluated: 2022-08-01. Review status: criteria provided, single submitter. Criteria: CeGaT Center For Human Genetics Tuebingen Variant Classification Criteria Version 2. Collection method: clinical testing. Allele origin: germline. Affected: yes. Observed: 1 variant allele.
Comment: SLC25A45: PM2:Supporting, BP4, BP7